The following is an entry in ClinVar:

ClinVar aggregate classification (germline): Uncertain significance (1 of 4 stars; one submission).

gnomAD v4.1: 4 of 1,613,674 alleles (0.00025%); highest among the groups gnomAD compares: African/African-American, 0.0053%; no homozygotes.

Submission:

Labcorp Genetics (formerly Invitae), Labcorp
Classification: Uncertain significance. Last evaluated: 2023-05-11. Review status: criteria provided, single submitter. Criteria: Invitae Variant Classification Sherloc (09022015). Collection method: clinical testing. Allele origin: germline.
Comment: In summary, the available evidence is currently insufficient to determine the role of this variant in disease. Therefore, it has been classified as a Variant of Uncertain Significance. Advanced modeling of protein sequence and biophysical properties (such as structural, functional, and spatial information, amino acid conservation, physicochemical variation, residue mobility, and thermodynamic stability) performed at Invitae indicates that this missense variant is not expected to disrupt TFRC protein function. This variant has not been reported in the literature in individuals affected with TFRC-related conditions. This variant is not present in population databases (gnomAD no frequency). This sequence change replaces leucine, which is neutral and non-polar, with valine, which is neutral and non-polar, at codon 425 of the TFRC protein (p.Leu425Val).

NM_001128148.3(TFRC):c.1273C>G (p.Leu425Val)

Gene: TFRC (transferrin receptor; minus strand). Cytogenetic location: 3q29.
Variant type: single nucleotide variant.
Coding change: c.1273C>G on transcript NM_001128148.3 (MANE Select); coding-DNA position 1273, C replaced by G.
Protein change: p.Leu425Val; replaces leucine 425 with valine.
Molecular consequence: missense variant.
Genome position (GRCh38, 1-based): chr3:196,064,354, G>C on the plus strand (C>G on the coding strand, the complement: TFRC is on the minus strand). VCF-style: chr3-196064354-G-C. GRCh37 (hg19) VCF-style: chr3-195791225-G-C.
Other names: c.1030C>G, p.Leu344Val (NM_001313965.2); c.427C>G, p.Leu143Val (NM_001313966.2); c.1273C>G, p.Leu425Val (NM_003234.4); short protein forms L425V, L143V, L344V.
Identifiers: ClinVar variation 2712848 (VCV002712848.3), dbSNP rs1348086870, ClinGen allele CA355571422.